The following is an entry in ClinVar:

ClinVar aggregate classification (germline): Likely benign. Review status: criteria provided, multiple submitters, no conflicts (2 of 4 stars). 2 submissions from 2 submitters: Likely benign (2). Last evaluated 2018-06-16.

Allele frequency attached by ClinVar (database versions not stated): gnomAD exomes 0.00091 and 0.00229; ExAC 0.00230; ESP Exome Variant Server 0.00698; gnomAD 0.01064 and 0.01153; 1000 Genomes Project 0.01098; TOPMed 0.01118; 1000 Genomes Project 30x 0.01156.
gnomAD v4.1: 2,802 of 1,396,242 alleles (0.2%); highest among the groups gnomAD compares: African/African-American, 3.6%; 46 homozygotes.

Submissions (2):

GeneDx
Classification: Likely benign. Last evaluated: 2018-06-16. Review status: criteria provided, single submitter. Criteria: GeneDx Variant Classification (06012015). Collection method: clinical testing. Allele origin: germline. Affected: yes.
Comment: This variant is considered likely benign or benign based on one or more of the following criteria: it is a conservative change, it occurs at a poorly conserved position in the protein, it is predicted to be benign by multiple in silico algorithms, and/or has population frequency not consistent with disease.

Breakthrough Genomics
Classification: Likely benign. Review status: criteria provided, single submitter. Criteria: ACMG Guidelines, 2015. Collection method: not provided. Allele origin: germline. Inheritance: Autosomal dominant inheritance. Affected: yes.

NM_005751.5(AKAP9):c.8019+43A>G

Gene: AKAP9 (A-kinase anchoring protein 9; plus strand). Cytogenetic location: 7q21.2.
Variant type: single nucleotide variant.
Coding change: c.8019+43A>G on transcript NM_005751.5 (MANE Select); 43 bases into the intron after coding-DNA position 8019, A replaced by G.
Molecular consequence: intron variant.
Genome position (GRCh38, 1-based): chr7:92,080,195, A>G. VCF-style: chr7-92080195-A-G. GRCh37 (hg19) VCF-style: chr7-91709509-A-G.
Other names: c.7995+43A>G (NM_147185.3); c.2664+43A>G (NM_001379277.1).
Identifiers: ClinVar variation 675392 (VCV000675392.2), dbSNP rs116236708, ClinGen allele CA4337386.
Genomic context (GRCh38, chr7:92,080,195, plus strand): 5'-GATGTTGAAGTTCTCAAGGTTAGTTTTGTATTTTATTAGTTTCATTTAAATACCCCAAGA[A>G]ACTAAGCTGATTGCTAATTTACTAAATATGGTGTTCTGTTTACATCTAACAATTTATACA-3'